The following is an entry in ClinVar:

NM_001369.3(DNAH5):c.4836G>A (p.Val1612=)

Genes: DNAH5 (dynein axonemal heavy chain 5; minus strand), LOC126807318 (MED14-independent group 3 enhancer GRCh37_chr5:13858976-13860175; plus strand). Cytogenetic location: 5p15.2.
Variant type: single nucleotide variant.
Coding change: c.4836G>A on transcript NM_001369.3 (MANE Select); coding-DNA position 4836, G replaced by A.
Protein change: p.Val1612=; no amino-acid change (valine 1612 retained).
Molecular consequence: synonymous variant.
Genome position (GRCh38, 1-based): chr5:13,859,566, C>T on the plus strand (G>A on the coding strand, the complement: DNAH5 is on the minus strand). VCF-style: chr5-13859566-C-T. GRCh37 (hg19) VCF-style: chr5-13859675-C-T.
Identifiers: ClinVar variation 238975 (VCV000238975.23), dbSNP rs34671383, ClinGen allele CA3203862.

ClinVar aggregate classification (germline): Benign/Likely benign. Review status: criteria provided, multiple submitters, no conflicts (2 of 4 stars). 8 submissions from 8 submitters: Benign (4); Likely benign (2). 2 of the submissions do not count toward it. Last evaluated 2026-02-01.

Conditions:
Primary ciliary dyskinesia. Also called: Ciliary dyskinesia. Identifiers: Orphanet 244, MedGen C0008780, MONDO:0016575, HP:0012265.
Primary ciliary dyskinesia 3. Identifiers: Orphanet 244, MedGen C1837618, MONDO:0012085, OMIM 608644.

Allele frequency attached by ClinVar (database versions not stated): gnomAD exomes 0.00201; ExAC 0.00256; 1000 Genomes Project 0.00699; 1000 Genomes Project 30x 0.00734; TOPMed 0.00890; gnomAD 0.00895; ESP Exome Variant Server 0.01007.
gnomAD v4.1: 2,458 of 1,614,056 alleles (0.15%); highest among the groups gnomAD compares: African/African-American, 3%; 40 homozygotes.

Submissions (8):

Labcorp Genetics (formerly Invitae), Labcorp
Classification: Benign for Primary ciliary dyskinesia. Last evaluated: 2026-02-01. Review status: criteria provided, single submitter. Criteria: Invitae Variant Classification Sherloc (09022015). Collection method: clinical testing. Allele origin: germline.

ARUP Laboratories, Molecular Genetics and Genomics, ARUP Laboratories
Classification: Benign for Primary ciliary dyskinesia 3. Last evaluated: 2023-08-30. Review status: criteria provided, single submitter. Criteria: ARUP Molecular Germline Variant Investigation Process 2024. Collection method: clinical testing. Allele origin: germline.

Illumina Laboratory Services, Illumina
Classification: Likely benign for Primary ciliary dyskinesia 3. Last evaluated: 2018-01-12. Review status: criteria provided, single submitter. Criteria: ICSL Variant Classification Criteria 13 December 2019. Collection method: clinical testing. Allele origin: germline.
Comment: This variant was observed in the ICSL laboratory as part of a predisposition screen in an ostensibly healthy population. It had not been previously curated by ICSL or reported in the Human Gene Mutation Database (HGMD: prior to June 1st, 2018), and was therefore a candidate for classification through an automated scoring system. Utilizing variant allele frequency, disease prevalence and penetrance estimates, and inheritance mode, an automated score was calculated to assess if this variant is too frequent to cause the disease. Based on the score and internal cut-off values, a variant classified as likely benign is not then subjected to further curation. The score for this variant resulted in a classification of likely benign for this disease.

Ambry Genetics
Classification: Benign for Primary ciliary dyskinesia. Last evaluated: 2015-03-26. Review status: criteria provided, single submitter. Criteria: Ambry Variant Classification Scheme 2023. Collection method: clinical testing. Allele origin: germline.

Breakthrough Genomics
Classification: Likely benign. Review status: criteria provided, single submitter. Criteria: ACMG Guidelines, 2015. Collection method: not provided. Allele origin: germline. Inheritance: Autosomal recessive inheritance. Affected: yes.

PreventionGenetics, part of Exact Sciences
Classification: Benign. Review status: criteria provided, single submitter. Criteria: ACMG Guidelines, 2015. Collection method: clinical testing. Allele origin: germline.

Natera, Inc.
Classification: Benign for Primary ciliary dyskinesia. Last evaluated: 2020-09-16. Review status: no assertion criteria provided. Collection method: clinical testing. Allele origin: germline. Not counted in ClinVar's aggregate classification.

Counsyl
Classification: Likely benign for Primary ciliary dyskinesia 3. Last evaluated: 2017-03-27. Review status: no assertion criteria provided. Collection method: clinical testing. Allele origin: unknown. Not counted in ClinVar's aggregate classification.